The following is an entry in ClinVar:

NM_053025.4(MYLK):c.4052C>G (p.Ser1351Cys)

Gene: MYLK (myosin light chain kinase; minus strand). Cytogenetic location: 3q21.1.
Variant type: single nucleotide variant.
Coding change: c.4052C>G on transcript NM_053025.4 (MANE Select); coding-DNA position 4052, C replaced by G.
Protein change: p.Ser1351Cys; replaces serine 1351 with cysteine.
Molecular consequence: missense variant.
Genome position (GRCh38, 1-based): chr3:123,657,362, G>C on the plus strand (C>G on the coding strand, the complement: MYLK is on the minus strand). VCF-style: chr3-123657362-G-C. GRCh37 (hg19) VCF-style: chr3-123376209-G-C.
Other names: c.3524C>G, p.Ser1175Cys (NM_001321309.2); c.3845C>G, p.Ser1282Cys (NM_053026.4, NM_053028.4); c.4052C>G, p.Ser1351Cys (NM_053027.4); short protein forms S1351C, S1282C, S1175C.
Identifiers: ClinVar variation 3297606 (VCV003297606.1).

ClinVar aggregate classification (germline): Uncertain significance (1 of 4 stars; one submission).

Conditions:
Familial thoracic aortic aneurysm and aortic dissection (TAAD). Also called: Thoracic aortic aneurysms and dissections. Identifiers: Orphanet 91387, MedGen C4707243, MONDO:0019625.

Submission:

Ambry Genetics
Classification: Uncertain significance for Familial thoracic aortic aneurysm and aortic dissection. Last evaluated: 2024-05-05. Review status: criteria provided, single submitter. Criteria: Ambry Variant Classification Scheme 2023. Collection method: clinical testing. Allele origin: germline.
Comment: The p.S1351C variant (also known as c.4052C>G), located in coding exon 21 of the MYLK gene, results from a C to G substitution at nucleotide position 4052. The serine at codon 1351 is replaced by cysteine, an amino acid with dissimilar properties. This amino acid position is conserved. In addition, this alteration is predicted to be deleterious by in silico analysis. Based on the available evidence, the clinical significance of this variant remains unclear.